The following is an entry in ClinVar:

NM_001205293.3(CACNA1E):c.4606-3C>T

Gene: CACNA1E (calcium voltage-gated channel subunit alpha1 E; plus strand). Cytogenetic location: 1q25.3.
Variant type: single nucleotide variant.
Coding change: c.4606-3C>T on transcript NM_001205293.3 (MANE Select); 3 bases into the intron before coding-DNA position 4606, C replaced by T.
Molecular consequence: intron variant.
Genome position (GRCh38, 1-based): chr1:181,762,571, C>T. VCF-style: chr1-181762571-C-T. GRCh37 (hg19) VCF-style: chr1-181731707-C-T.
Other names: c.4606-3C>T (NM_000721.4, NM_001205293.1); c.4549-3C>T (NM_001205294.2).
Identifiers: ClinVar variation 1344949 (VCV001344949.10), dbSNP rs1037223207, ClinGen allele CA33832481.

ClinVar aggregate classification (germline): Conflicting classifications of pathogenicity. Review status: criteria provided, conflicting classifications (1 of 4 stars). 3 submissions from 3 submitters: Uncertain significance (2); Likely benign (1). Last evaluated 2025-10-27.

Conditions:
Inborn genetic diseases. Identifiers: MedGen C0950123, MeSH D030342.

Allele frequency attached by ClinVar (database versions not stated): gnomAD 0.00001; TOPMed 0.00005.
gnomAD v4.1: 6 of 1,581,394 alleles (0.00038%); highest among the groups gnomAD compares: Admixed American, 0.005%; no homozygotes.

Submissions (3):

Labcorp Genetics (formerly Invitae), Labcorp
Classification: Likely benign. Last evaluated: 2025-10-27. Review status: criteria provided, single submitter. Criteria: Invitae Variant Classification Sherloc (09022015). Collection method: clinical testing. Allele origin: germline.

Ambry Genetics
Classification: Uncertain significance for Inborn genetic diseases. Last evaluated: 2025-03-05. Review status: criteria provided, single submitter. Criteria: Ambry Variant Classification Scheme 2023. Collection method: clinical testing. Allele origin: germline.
Comment: The c.4606-3C>T intronic alteration consists of a C to T substitution 3 nucleotides before coding exon 33 in the CACNA1E gene. In silico splice site analysis predicts that this alteration will not have any significant effect on splicing. Based on insufficient or conflicting evidence, the clinical significance of this alteration remains unclear.

GeneDx
Classification: Uncertain significance. Last evaluated: 2021-09-17. Review status: criteria provided, single submitter. Criteria: GeneDx Variant Classification Process June 2021. Collection method: clinical testing. Allele origin: germline. Affected: yes.
Comment: Has not been previously published as pathogenic or benign to our knowledge; In-silico analysis is inconclusive as to whether the variant alters gene splicing. In the absence of RNA/functional studies, the actual effect of this sequence change is unknown.